The following is an entry in ClinVar:

ClinVar aggregate classification (germline): Likely pathogenic (1 of 4 stars; one submission).

Submission:

Labcorp Genetics (formerly Invitae), Labcorp
Classification: Likely pathogenic. Last evaluated: 2023-04-04. Review status: criteria provided, single submitter. Criteria: Invitae Variant Classification Sherloc (09022015). Collection method: clinical testing. Allele origin: germline.
Comment: This variant is not present in population databases (gnomAD no frequency). This sequence change affects an acceptor splice site in intron 23 of the CDH23 gene. It is expected to disrupt RNA splicing. Variants that disrupt the donor or acceptor splice site typically lead to a loss of protein function (PMID: 16199547), and loss-of-function variants in CDH23 are known to be pathogenic (PMID: 11138009, 21940737). This variant has not been reported in the literature in individuals affected with CDH23-related conditions. Algorithms developed to predict the effect of sequence changes on RNA splicing suggest that this variant may disrupt the consensus splice site. In summary, the currently available evidence indicates that the variant is pathogenic, but additional data are needed to prove that conclusively. Therefore, this variant has been classified as Likely Pathogenic.

Literature cited by the submitters: PubMed 16199547; PubMed 11138009; PubMed 21940737.

NM_022124.6(CDH23):c.2588-1G>A

Gene: CDH23 (cadherin related 23; plus strand). Cytogenetic location: 10q22.1.
Variant type: single nucleotide variant.
Coding change: c.2588-1G>A on transcript NM_022124.6 (MANE Select); the canonical splice acceptor site of the intron before coding-DNA position 2588, G replaced by A.
Molecular consequence: splice acceptor variant.
Genome position (GRCh38, 1-based): chr10:71,702,548, G>A. VCF-style: chr10-71702548-G-A. GRCh37 (hg19) VCF-style: chr10-73462305-G-A.
Other names: c.2588-1G>A (NM_001171930.2, NM_001171931.2).
Identifiers: ClinVar variation 2852032 (VCV002852032.3), dbSNP rs2132732963, ClinGen allele CA377137949.
Genomic context (GRCh38, chr10:71,702,548, plus strand): 5'-CCGTTTTCTCTTGCACCCATCTTACCCTGTCCTTGGCCCCTTCTCGCCCTGGTCTTCCCA[G>A]GTGGCAGGCCCCCTCTGAAAGCCACCAGCAGTGCCACAGTGTTTGTGAACCTCTTGGATC-3'